The following is an entry in ClinVar:

ClinVar aggregate classification (germline): Uncertain significance (1 of 4 stars; one submission).

Submission:

GeneDx
Classification: Uncertain significance. Last evaluated: 2021-04-20. Review status: criteria provided, single submitter. Criteria: GeneDx Variant Classification Process June 2021. Collection method: clinical testing. Allele origin: germline. Affected: yes.
Comment: Not observed in large population cohorts (Lek et al., 2016); In silico analysis supports that this missense variant has a deleterious effect on protein structure/function; Has not been previously published as pathogenic or benign to our knowledge

NM_001379110.1(SLC9A6):c.803T>A (p.Met268Lys)

Gene: SLC9A6 (solute carrier family 9 member A6; plus strand). Cytogenetic location: Xq26.3.
Variant type: single nucleotide variant.
Coding change: c.803T>A on transcript NM_001379110.1 (MANE Select); coding-DNA position 803, T replaced by A.
Protein change: p.Met268Lys; replaces methionine 268 with lysine.
Molecular consequence: missense variant.
Genome position (GRCh38, 1-based): chrX:136,010,501, T>A. VCF-style: chrX-136010501-T-A. GRCh37 (hg19) VCF-style: chrX-135092660-T-A.
Other names: c.959T>A, p.Met320Lys (NM_001042537.2); c.803T>A, p.Met268Lys (NM_001177651.2); c.707T>A, p.Met236Lys (NM_001330652.2); c.863T>A, p.Met288Lys (NM_006359.3); short protein forms M236K, M268K, M288K, M320K.
Identifiers: ClinVar variation 1314812 (VCV001314812.2), dbSNP rs2148169885, ClinGen allele CA414751217.